The following is an entry in ClinVar:

ClinVar aggregate classification (germline): Uncertain significance (1 of 4 stars; one submission).

Conditions:
PTPN11-related disorder. Also called: PTPN11-Related Disorders.

Submission:

PreventionGenetics, part of Exact Sciences
Classification: Uncertain significance for PTPN11-related condition. Last evaluated: 2024-10-31. Review status: criteria provided, single submitter. Criteria: ACMG Guidelines, 2015. Collection method: clinical testing. Allele origin: germline.
Comment: The PTPN11 c.857A>G variant is predicted to result in the amino acid substitution p.Asp286Gly. To our knowledge, this variant has not been reported in the literature or in a large population database (gnomAD), indicating this variant is rare. At this time, the clinical significance of this variant is uncertain due to the absence of conclusive functional and genetic evidence.

NM_002834.5(PTPN11):c.857A>G (p.Asp286Gly)

Gene: PTPN11 (protein tyrosine phosphatase non-receptor type 11; plus strand). Cytogenetic location: 12q24.13.
Variant type: single nucleotide variant.
Coding change: c.857A>G on transcript NM_002834.5 (MANE Select); coding-DNA position 857, A replaced by G.
Protein change: p.Asp286Gly; replaces aspartic acid 286 with glycine.
Molecular consequence: missense variant.
Genome position (GRCh38, 1-based): chr12:112,477,654, A>G. VCF-style: chr12-112477654-A-G. GRCh37 (hg19) VCF-style: chr12-112915458-A-G.
Other names: c.857A>G, p.Asp286Gly (NM_001330437.2, NM_080601.3); c.854A>G, p.Asp285Gly (NM_001374625.1); short protein forms D285G, D286G.
Identifiers: ClinVar variation 5002350 (VCV005002350.1).
Genomic context (GRCh38, chr12:112,477,654, plus strand): 5'-CTGTTTTTTCCTGAAGCAGTCCAGGACTTATGTGACCGTGGTCTCTTTTTCTTCTAGTTG[A>G]TCATACCAGGGTTGTCCTACACGATGGTGATCCCAATGAGCCTGTTTCAGATTACATCAA-3'
Protein context (NP_002825.3, residues 276-296): KNRYKNILPF[Asp286Gly]HTRVVLHDGD